The following is an entry in ClinVar:

ClinVar aggregate classification (germline): Uncertain significance (1 of 4 stars; one submission).

Conditions:
Peroxisome biogenesis disorder. Identifiers: Orphanet 79189, MedGen C1832200, MONDO:0019234. Disease mechanism: loss of function.

gnomAD v4.1: 3 of 1,609,230 alleles (0.00019%); highest among the groups gnomAD compares: Non-Finnish European, 0.00025%; no homozygotes.

Submission:

Labcorp Genetics (formerly Invitae), Labcorp
Classification: Uncertain significance for Peroxisome biogenesis disorder. Last evaluated: 2024-10-08. Review status: criteria provided, single submitter. Criteria: Invitae Variant Classification Sherloc (09022015). Collection method: clinical testing. Allele origin: germline.
Comment: This sequence change replaces glutamine, which is neutral and polar, with lysine, which is basic and polar, at codon 199 of the PEX16 protein (p.Gln199Lys). This variant is not present in population databases (gnomAD no frequency). This variant has not been reported in the literature in individuals affected with PEX16-related conditions. ClinVar contains an entry for this variant (Variation ID: 1495311). Invitae Evidence Modeling of protein sequence and biophysical properties (such as structural, functional, and spatial information, amino acid conservation, physicochemical variation, residue mobility, and thermodynamic stability) indicates that this missense variant is not expected to disrupt PEX16 protein function with a negative predictive value of 80%. In summary, the available evidence is currently insufficient to determine the role of this variant in disease. Therefore, it has been classified as a Variant of Uncertain Significance.

NM_004813.4(PEX16):c.595C>A (p.Gln199Lys)

Gene: PEX16 (peroxisomal biogenesis factor 16; minus strand). Cytogenetic location: 11p11.2.
Variant type: single nucleotide variant.
Coding change: c.595C>A on transcript NM_004813.4 (MANE Select); coding-DNA position 595, C replaced by A.
Protein change: p.Gln199Lys; replaces glutamine 199 with lysine.
Molecular consequence: missense variant.
Genome position (GRCh38, 1-based): chr11:45,914,415, G>T on the plus strand (C>A on the coding strand, the complement: PEX16 is on the minus strand). VCF-style: chr11-45914415-G-T. GRCh37 (hg19) VCF-style: chr11-45935966-G-T.
Other names: c.595C>A, p.Gln199Lys (NM_057174.3); short protein forms Q199K.
Identifiers: ClinVar variation 1495311 (VCV001495311.6), dbSNP rs770726448, ClinGen allele CA380227101.